The following is an entry in ClinVar:

ClinVar aggregate classification (germline): Uncertain significance. Review status: criteria provided, multiple submitters, no conflicts (2 of 4 stars). 2 submissions from 2 submitters: Uncertain significance (2). Last evaluated 2025-12-30.

Conditions:
Inborn genetic diseases. Identifiers: MedGen C0950123, MeSH D030342.

Allele frequency attached by ClinVar (database versions not stated): gnomAD exomes below 0.00001; TOPMed below 0.00001; ExAC 0.00001.
gnomAD v4.1: 12 of 1,612,710 alleles (0.00074%); highest among the groups gnomAD compares: African/African-American, 0.0013%; no homozygotes.

Submissions (2):

Ambry Genetics
Classification: Uncertain significance for Inborn genetic diseases. Last evaluated: 2025-12-30. Review status: criteria provided, single submitter. Criteria: Ambry Variant Classification Scheme 2023. Collection method: clinical testing. Allele origin: germline.

Labcorp Genetics (formerly Invitae), Labcorp
Classification: Uncertain significance. Last evaluated: 2023-10-05. Review status: criteria provided, single submitter. Criteria: Invitae Variant Classification Sherloc (09022015). Collection method: clinical testing. Allele origin: germline.
Comment: This sequence change replaces arginine, which is basic and polar, with tryptophan, which is neutral and slightly polar, at codon 161 of the WFS1 protein (p.Arg161Trp). This variant is present in population databases (rs755176736, gnomAD 0.007%). This variant has not been reported in the literature in individuals affected with WFS1-related conditions. ClinVar contains an entry for this variant (Variation ID: 1422348). Advanced modeling of protein sequence and biophysical properties (such as structural, functional, and spatial information, amino acid conservation, physicochemical variation, residue mobility, and thermodynamic stability) performed at Invitae indicates that this missense variant is not expected to disrupt WFS1 protein function. In summary, the available evidence is currently insufficient to determine the role of this variant in disease. Therefore, it has been classified as a Variant of Uncertain Significance.

NM_006005.3(WFS1):c.481C>T (p.Arg161Trp)

Gene: WFS1 (wolframin ER transmembrane glycoprotein; plus strand). Cytogenetic location: 4p16.1.
Variant type: single nucleotide variant.
Coding change: c.481C>T on transcript NM_006005.3 (MANE Select); coding-DNA position 481, C replaced by T.
Protein change: p.Arg161Trp; replaces arginine 161 with tryptophan.
Molecular consequence: missense variant.
Genome position (GRCh38, 1-based): chr4:6,291,217, C>T. VCF-style: chr4-6291217-C-T. GRCh37 (hg19) VCF-style: chr4-6292944-C-T.
Other names: c.481C>T, p.Arg161Trp (NM_001145853.1); short protein forms R161W.
Identifiers: ClinVar variation 1422348 (VCV001422348.7), dbSNP rs755176736, ClinGen allele CA2838919.